The following is an entry in ClinVar:

NM_006734.4(HIVEP2):c.5227G>C (p.Glu1743Gln)

Gene: HIVEP2 (HIVEP zinc finger 2; minus strand). Cytogenetic location: 6q24.2.
Variant type: single nucleotide variant.
Coding change: c.5227G>C on transcript NM_006734.4 (MANE Select); coding-DNA position 5227, G replaced by C.
Protein change: p.Glu1743Gln; replaces glutamic acid 1743 with glutamine.
Molecular consequence: missense variant.
Genome position (GRCh38, 1-based): chr6:142,768,497, C>G on the plus strand (G>C on the coding strand, the complement: HIVEP2 is on the minus strand). VCF-style: chr6-142768497-C-G. GRCh37 (hg19) VCF-style: chr6-143089634-C-G.
Other names: c.5227G>C, p.Glu1743Gln (NM_001438449.1, NM_001438450.1, NM_001438451.1); short protein forms E1743Q.
Identifiers: ClinVar variation 4795338 (VCV004795338.1).
Genomic context (GRCh38, chr6:142,768,497, plus strand): 5'-TATCTCCATGAATATCTCCTTTCCCTCTTTCCTTTAAGATATTTCCCACTAGTTTCCTTT[C>G]TAGTTTGCTGCCAAATAAAAAGGACGCATCAGGTTTCATCTGTAAGACAAGAAGAGAGAA-3'
Protein context (NP_006725.3, residues 1733-1753): DASFLFGSKL[Glu1743Gln]RKLVGNILKE

ClinVar aggregate classification (germline): Uncertain significance (1 of 4 stars; one submission).

gnomAD v4.1: 2 of 1,613,292 alleles (0.00012%); highest among the groups gnomAD compares: Non-Finnish European, 0.00017%; no homozygotes.

Submission:

GeneDx
Classification: Uncertain significance. Last evaluated: 2025-08-14. Review status: criteria provided, single submitter. Criteria: GeneDx Variant Classification Process June 2021. Collection method: clinical testing. Allele origin: germline. Affected: yes.
Comment: Not observed at significant frequency in large population cohorts (gnomAD); In silico analysis suggests that this missense variant does not alter protein structure/function; Has not been previously published as pathogenic or benign to our knowledge